The following is an entry in ClinVar:

NM_001206979.2(NR1H4):c.565G>T (p.Glu189Ter)

Gene: NR1H4 (nuclear receptor subfamily 1 group H member 4; plus strand). Cytogenetic location: 12q23.1.
Variant type: single nucleotide variant.
Coding change: c.565G>T on transcript NM_001206979.2 (MANE Select); coding-DNA position 565, G replaced by T.
Protein change: p.Glu189Ter; replaces glutamic acid 189 with a stop codon.
Molecular consequence: nonsense. On other transcripts: non-coding transcript variant (1), intron variant (1).
Genome position (GRCh38, 1-based): chr12:100,532,577, G>T. VCF-style: chr12-100532577-G-T. GRCh37 (hg19) VCF-style: chr12-100926355-G-T.
Other names: c.565G>T, p.Glu189Ter (NM_001206977.2, NM_005123.4); c.595G>T, p.Glu199Ter (NM_001206992.2, NM_001206993.2); c.446-2313G>T (NM_001206978.2); short protein forms E199*, E189*.
Identifiers: ClinVar variation 2830660 (VCV002830660.3), dbSNP rs767846303, ClinGen allele CA386227500.
Genomic context (GRCh38, chr12:100,532,577, plus strand): 5'-TGTGTGATGGATATGTACATGCGAAGAAAGTGTCAAGAGTGTCGACTAAGGAAATGCAAA[G>T]AGATGGGAATGTTGGCTGAATGTATGTATACAGGTATTCACTTCAAGCAATTACATTTCA-3'

ClinVar aggregate classification (germline): Pathogenic (1 of 4 stars; one submission).

Submission:

Labcorp Genetics (formerly Invitae), Labcorp
Classification: Pathogenic. Last evaluated: 2023-04-25. Review status: criteria provided, single submitter. Criteria: Invitae Variant Classification Sherloc (09022015). Collection method: clinical testing. Allele origin: germline.
Comment: For these reasons, this variant has been classified as Pathogenic. Algorithms developed to predict the effect of sequence changes on RNA splicing suggest that this variant may disrupt the consensus splice site. This variant has not been reported in the literature in individuals affected with NR1H4-related conditions. This variant is not present in population databases (gnomAD no frequency). This sequence change creates a premature translational stop signal (p.Glu189*) in the NR1H4 gene. It is expected to result in an absent or disrupted protein product. Loss-of-function variants in NR1H4 are known to be pathogenic (PMID: 11030617, 26888176).

Literature cited by the submitters: PubMed 11030617; PubMed 26888176.